The following is an entry in ClinVar:

ClinVar aggregate classification (germline): Uncertain significance (1 of 4 stars; one submission).

Submission:

GeneDx
Classification: Uncertain significance. Last evaluated: 2024-09-19. Review status: criteria provided, single submitter. Criteria: GeneDx Variant Classification Process June 2021. Collection method: clinical testing. Allele origin: germline. Affected: yes.
Comment: Not observed at significant frequency in large population cohorts (gnomAD); In silico analysis indicates that this missense variant does not alter protein structure/function; Has not been previously published as pathogenic or benign to our knowledge

NM_022455.5(NSD1):c.979A>C (p.Ile327Leu)

Gene: NSD1 (nuclear receptor binding SET domain protein 1; plus strand). Cytogenetic location: 5q35.3.
Variant type: single nucleotide variant.
Coding change: c.979A>C on transcript NM_022455.5 (MANE Select); coding-DNA position 979, A replaced by C.
Protein change: p.Ile327Leu; replaces isoleucine 327 with leucine.
Molecular consequence: missense variant.
Genome position (GRCh38, 1-based): chr5:177,191,935, A>C. VCF-style: chr5-177191935-A-C. GRCh37 (hg19) VCF-style: chr5-176618936-A-C.
Other names: c.106A>C, p.Ile36Leu (NM_001365684.2, NM_001409305.1, NM_001409306.1 and 4 more transcripts); c.979A>C, p.Ile327Leu (NM_001409301.1, NM_001409302.1, NM_001409303.1); c.559A>C, p.Ile187Leu (NM_001409304.1); short protein forms I187L, I327L, I36L.
Identifiers: ClinVar variation 3774149 (VCV003774149.1).
Genomic context (GRCh38, chr5:177,191,935, plus strand): 5'-TGTCTAAAGTGTCAACCTAAGAAAAAGTCTACGCCACTGAAGTATGAAGTTGGAGATCTC[A>C]TCTGGGCAAAATTCAAGAGACGCCCATGGTGGCCCTGCAGGATTTGTTCTGATCCGTTGA-3'
Protein context (NP_071900.2, residues 317-337): TPLKYEVGDL[Ile327Leu]WAKFKRRPWW